The following is an entry in ClinVar:

ClinVar aggregate classification (germline): no classifications from unflagged records (0 of 4 stars; one submission).

Submission:

Prenatal Diagnosis Center, Urumqi Maternal and Child Health Care Hospital
Classification: Uncertain significance. Review status: flagged submission. Criteria: ACMG/ClinGen CNV Guidelines, 2019. Collection method: clinical testing. Allele origin: unknown.
ClinVar note: Notes: This submission was flagged because its interpretation of this variant conflicts with the ClinGen Gene Dosage Map curation for the gene STS.
ClinVar note: Reason: Conflict with ClinGen Gene Dosage Map

GRCh37/hg19 Xp22.31(chrX:6458941-8021639)x1

Genes: PNPLA4 (patatin like domain 4, phospholipase and triacylglycerol lipase; minus strand), PUDP (pseudouridine 5'-phosphatase; minus strand), STS (steroid sulfatase; plus strand), VCX (variable charge X-linked; plus strand). Cytogenetic location: Xp22.31.
Variant type: copy number loss.
Change: copy number 1 of chrX:6,458,941-8,021,639 (1.56 Mb, GRCh37 coordinates, 1-based), cytogenetic band Xp22.31.
Identifiers: ClinVar variation 3148888 (VCV003148888.2).